The following is an entry in ClinVar:

ClinVar aggregate classification (germline): Uncertain significance (1 of 4 stars; one submission).

Submission:

Labcorp Genetics (formerly Invitae), Labcorp
Classification: Uncertain significance. Last evaluated: 2022-08-22. Review status: criteria provided, single submitter. Criteria: Invitae Variant Classification Sherloc (09022015). Collection method: clinical testing. Allele origin: germline.
Comment: In summary, the available evidence is currently insufficient to determine the role of this variant in disease. Therefore, it has been classified as a Variant of Uncertain Significance. Algorithms developed to predict the effect of missense changes on protein structure and function (SIFT, PolyPhen-2, Align-GVGD) all suggest that this variant is likely to be tolerated. ClinVar contains an entry for this variant (Variation ID: 1520648). This variant has not been reported in the literature in individuals affected with CENPJ-related conditions. This variant is not present in population databases (gnomAD no frequency). This sequence change replaces serine, which is neutral and polar, with glycine, which is neutral and non-polar, at codon 700 of the CENPJ protein (p.Ser700Gly).

NM_018451.5(CPAP):c.2098A>G (p.Ser700Gly)

Gene: CPAP (centrosome assembly and centriole elongation protein; minus strand). Cytogenetic location: 13q12.13.
Variant type: single nucleotide variant.
Coding change: c.2098A>G on transcript NM_018451.5 (MANE Select); coding-DNA position 2098, A replaced by G.
Protein change: p.Ser700Gly; replaces serine 700 with glycine.
Molecular consequence: missense variant. On other transcripts: non-coding transcript variant (2).
Genome position (GRCh38, 1-based): chr13:24,905,940, T>C on the plus strand (A>G on the coding strand, the complement: CPAP is on the minus strand). VCF-style: chr13-24905940-T-C. GRCh37 (hg19) VCF-style: chr13-25480078-T-C.
Other names: short protein forms S700G.
Identifiers: ClinVar variation 1520648 (VCV001520648.6), dbSNP rs2138629272, ClinGen allele CA387585800.